The following is an entry in ClinVar:

ClinVar aggregate classification (germline): Uncertain significance (1 of 4 stars; one submission).

Conditions:
Adenosine kinase deficiency. Also called: Hypermethioninemia due to adenosine kinase deficiency; MENTAL RETARDATION, AUTOSOMAL RECESSIVE 8. Identifiers: Orphanet 289290, Orphanet 88616, MedGen C4706555, MONDO:0100255, OMIM 614300.

Submission:

3billion
Classification: Uncertain significance for Adenosine kinase deficiency. Last evaluated: 2023-02-23. Review status: criteria provided, single submitter. Criteria: ACMG Guidelines, 2015. Collection method: clinical testing. Allele origin: unknown. Affected: yes.
Comment: The variant is not observed in the gnomAD v2.1.1 dataset. Missense changes are a common disease-causing mechanism. In silico tool predictions suggest damaging effect of the variant on gene or gene product (REVEL: 0.90; 3Cnet: 0.12). Therefore, this variant is classified as VUS according to the recommendation of ACMG/AMP guideline.

NM_006721.4(ADK):c.374T>C (p.Val125Ala)

Gene: ADK (adenosine kinase; plus strand). Cytogenetic location: 10q22.2.
Variant type: single nucleotide variant.
Coding change: c.374T>C on transcript NM_006721.4 (MANE Select); coding-DNA position 374, T replaced by C.
Protein change: p.Val125Ala; replaces valine 125 with alanine.
Molecular consequence: missense variant.
Genome position (GRCh38, 1-based): chr10:74,394,241, T>C. VCF-style: chr10-74394241-T-C. GRCh37 (hg19) VCF-style: chr10-76153999-T-C.
Other names: c.323T>C, p.Val108Ala (NM_001123.4, NM_001369124.1); c.269T>C, p.Val90Ala (NM_001202449.2); c.374T>C, p.Val125Ala (NM_001202450.2, NM_001369123.1); short protein forms V108A, V125A, V90A.
Identifiers: ClinVar variation 2444120 (VCV002444120.1), dbSNP rs2547867047, ClinGen allele CA377397373.
Genomic context (GRCh38, chr10:74,394,241, plus strand): 5'-GATGCATTGGGATAGATAAATTTGGGGAGATCCTGAAGAGAAAAGCTGCTGAAGCCCATG[T>C]GGATGCTCATTACTACGAGCAGAATGAGCAGCCAACAGGAACTTGTGCTGCATGCATCAC-3'
Protein context (NP_006712.2, residues 115-135): ILKRKAAEAH[Val125Ala]DAHYYEQNEQ